The following is an entry in ClinVar:

ClinVar aggregate classification (germline): Uncertain significance (1 of 4 stars; one submission).

Conditions:
Hereditary cancer-predisposing syndrome. Also called: Neoplastic Syndromes, Hereditary; Tumor predisposition; Hereditary Cancer Syndrome; Hereditary neoplastic syndrome. Identifiers: Orphanet 140162, MedGen C0027672, MeSH D009386, MONDO:0015356.

Submission:

Ambry Genetics
Classification: Uncertain significance for Hereditary cancer-predisposing syndrome. Last evaluated: 2026-02-27. Review status: criteria provided, single submitter. Criteria: Ambry Variant Classification Scheme 2023. Collection method: clinical testing. Allele origin: germline.
Comment: The p.V1405G variant (also known as c.4214T>G), located in coding exon 15 of the APC gene, results from a T to G substitution at nucleotide position 4214. The valine at codon 1405 is replaced by glycine, an amino acid with dissimilar properties. This amino acid position is conserved. In addition, in silico predictors for this gene do not accurately predict pathogenicity. Based on the available evidence, the clinical significance of this variant remains unclear.

NM_000038.6(APC):c.4214T>G (p.Val1405Gly)

Gene: APC (APC regulator of Wnt signaling pathway; plus strand). Cytogenetic location: 5q22.2.
Variant type: single nucleotide variant.
Coding change: c.4214T>G on transcript NM_000038.6 (MANE Select); coding-DNA position 4214, T replaced by G.
Protein change: p.Val1405Gly; replaces valine 1405 with glycine.
Molecular consequence: missense variant. On other transcripts: non-coding transcript variant (2).
Genome position (GRCh38, 1-based): chr5:112,839,808, T>G. VCF-style: chr5-112839808-T-G. GRCh37 (hg19) VCF-style: chr5-112175505-T-G.
Other names: c.4214T>G, p.Val1405Gly (NM_001127510.3, NM_001354895.2, NM_001407450.1); c.4160T>G, p.Val1387Gly (NM_001127511.3); c.4268T>G, p.Val1423Gly (NM_001354896.2, NM_001407447.1, NM_001407448.1 and 1 more transcripts); c.4244T>G, p.Val1415Gly (NM_001354897.2); c.4139T>G, p.Val1380Gly (NM_001354898.2); c.4130T>G, p.Val1377Gly (NM_001354899.2); c.4091T>G, p.Val1364Gly (NM_001354900.2); c.4037T>G, p.Val1346Gly (NM_001354901.2, NM_001407453.1); and 11 more; short protein forms V1279G, V1346G, V1387G, V1398G, V1415G, V1122G, V1322G, V1377G.
Identifiers: ClinVar variation 4827295 (VCV004827295.1).